The following is an entry in ClinVar:

ClinVar aggregate classification (germline): Uncertain significance (1 of 4 stars; one submission).

gnomAD v4.1: 14 of 1,550,288 alleles (0.0009%); highest among the groups gnomAD compares: Non-Finnish European, 0.0012%; no homozygotes.

Submission:

Labcorp Genetics (formerly Invitae), Labcorp
Classification: Uncertain significance. Last evaluated: 2024-03-07. Review status: criteria provided, single submitter. Criteria: Invitae Variant Classification Sherloc (09022015). Collection method: clinical testing. Allele origin: germline.
Comment: This sequence change replaces arginine, which is basic and polar, with glutamine, which is neutral and polar, at codon 652 of the MMP9 protein (p.Arg652Gln). This variant is not present in population databases (gnomAD no frequency). This variant has not been reported in the literature in individuals affected with MMP9-related conditions. Advanced modeling of protein sequence and biophysical properties (such as structural, functional, and spatial information, amino acid conservation, physicochemical variation, residue mobility, and thermodynamic stability) performed at Invitae indicates that this missense variant is not expected to disrupt MMP9 protein function with a negative predictive value of 80%. In summary, the available evidence is currently insufficient to determine the role of this variant in disease. Therefore, it has been classified as a Variant of Uncertain Significance.

NM_004994.3(MMP9):c.1955G>A (p.Arg652Gln)

Genes: MMP9 (matrix metallopeptidase 9; plus strand), SLC12A5-AS1 (SLC12A5 and MMP9 antisense RNA 1; minus strand), LOC130065978 (ATAC-STARR-seq lymphoblastoid silent region 12969; plus strand). Cytogenetic location: 20q13.12.
Variant type: single nucleotide variant.
Coding change: c.1955G>A on transcript NM_004994.3 (MANE Select); coding-DNA position 1955, G replaced by A.
Protein change: p.Arg652Gln; replaces arginine 652 with glutamine.
Molecular consequence: missense variant. On other transcripts: non-coding transcript variant (1).
Genome position (GRCh38, 1-based): chr20:46,014,424, G>A. VCF-style: chr20-46014424-G-A. GRCh37 (hg19) VCF-style: chr20-44643063-G-A.
Other names: short protein forms R652Q.
Identifiers: ClinVar variation 3684354 (VCV003684354.2).